The following is an entry in ClinVar:

NM_001367624.2(ZNF469):c.3894G>C (p.Val1298=)

Gene: ZNF469 (zinc finger protein 469; plus strand). Cytogenetic location: 16q24.2.
Variant type: single nucleotide variant.
Coding change: c.3894G>C on transcript NM_001367624.2 (MANE Select); coding-DNA position 3894, G replaced by C.
Protein change: p.Val1298=; no amino-acid change (valine 1298 retained).
Molecular consequence: synonymous variant.
Genome position (GRCh38, 1-based): chr16:88,431,364, G>C. VCF-style: chr16-88431364-G-C. GRCh37 (hg19) VCF-style: chr16-88497772-G-C.
Other names: NM_001127464.1:c.3810G>C; NM_001127464.2:c.3810G>C; p.Val1298=.
Identifiers: ClinVar variation 320912 (VCV000320912.23), dbSNP rs115790991, ClinGen allele CA8224897.
Genomic context (GRCh38, chr16:88,431,364, plus strand): 5'-CAAGCCGTCGGGAAGCCTCGCCAACACGGCGCCCCACGGAAGCTCGCCAACGCCAGGTGT[G>C]GGCAGCCTGCTGGGTGGTCCTGGGGGCACACAGGCCCCAGTCTCCCACAACAGCAAGGAC-3'
Protein context (NP_001354553.1, residues 1288-1308): APHGSSPTPG[Val1298=]GSLLGGPGGT

ClinVar aggregate classification (germline): Benign/Likely benign. Review status: criteria provided, multiple submitters, no conflicts (2 of 4 stars). 9 submissions from 9 submitters: Benign (7); Likely benign (2). Last evaluated 2026-03-31.

Conditions:
Cardiovascular phenotype. Identifiers: MedGen CN230736.
Ehlers-Danlos syndrome (EDS). Identifiers: Orphanet 98249, MedGen C0013720, MONDO:0020066.
Brittle cornea syndrome 1 (BCS1). Also called: CORNEAL FRAGILITY, KERATOGLOBUS, BLUE SCLERAE, JOINT HYPEREXTENSIBILITY; EDS6B; FRAGILITAS OCULI WITH JOINT HYPEREXTENSIBILITY; DYSGENESIS MESODERMALIS CORNEAE ET SCLERAE; Corneal fragility keratoglobus, blue sclerae AND joint hypermobility. Identifiers: Orphanet 90354, MedGen C0268344, MONDO:0024543, OMIM 229200.

Allele frequency attached by ClinVar (database versions not stated): gnomAD 0.01510 and 0.01614; TOPMed 0.01662; 1000 Genomes Project 30x 0.01858; 1000 Genomes Project 0.01877.
gnomAD v4.1: 4,720 of 1,549,862 alleles (0.3%); highest among the groups gnomAD compares: African/African-American, 5.1%; 92 homozygotes.

Submissions (9):

Women's Health and Genetics/Laboratory Corporation of America, LabCorp
Classification: Benign. Last evaluated: 2026-03-31. Review status: criteria provided, single submitter. Criteria: LabCorp Variant Classification Summary - May 2015. Collection method: clinical testing. Allele origin: germline.

Labcorp Genetics (formerly Invitae), Labcorp
Classification: Benign. Last evaluated: 2026-02-02. Review status: criteria provided, single submitter. Criteria: Invitae Variant Classification Sherloc (09022015). Collection method: clinical testing. Allele origin: germline.

Blueprint Genetics
Classification: Likely benign. Last evaluated: 2024-11-12. Review status: criteria provided, single submitter. Criteria: ACMG Guidelines, 2015. Collection method: clinical testing. Allele origin: germline.

Mayo Clinic Laboratories, Mayo Clinic
Classification: Benign. Last evaluated: 2023-04-06. Review status: criteria provided, single submitter. Criteria: ACMG Guidelines, 2015. Collection method: clinical testing. Allele origin: germline. Observed: 14 variant alleles.
Comment: BS1, BS2, BP4, BP7

Genome-Nilou Lab
Classification: Benign for Brittle cornea syndrome 1. Last evaluated: 2021-12-05. Review status: criteria provided, single submitter. Criteria: ACMG Guidelines, 2015. Collection method: clinical testing. Allele origin: germline. Affected: no.

Ambry Genetics
Classification: Benign for Cardiovascular phenotype. Last evaluated: 2019-03-29. Review status: criteria provided, single submitter. Criteria: Ambry Variant Classification Scheme 2023. Collection method: clinical testing. Allele origin: germline.

Genome Diagnostics Laboratory, The Hospital for Sick Children
Classification: Benign for Ehlers-Danlos syndrome. Last evaluated: 2018-11-01. Review status: criteria provided, single submitter. Criteria: ACMG Guidelines, 2015. Collection method: clinical testing. Allele origin: germline.

GeneDx
Classification: Benign. Last evaluated: 2016-10-30. Review status: criteria provided, single submitter. Criteria: GeneDx Variant Classification (06012015). Collection method: clinical testing. Allele origin: germline. Affected: yes.
Comment: This variant is considered likely benign or benign based on one or more of the following criteria: it is a conservative change, it occurs at a poorly conserved position in the protein, it is predicted to be benign by multiple in silico algorithms, and/or has population frequency not consistent with disease.

Breakthrough Genomics
Classification: Likely benign. Review status: criteria provided, single submitter. Criteria: ACMG Guidelines, 2015. Collection method: not provided. Allele origin: germline. Inheritance: Autosomal recessive inheritance. Affected: yes.